The following is an entry in ClinVar:

ClinVar aggregate classification (germline): Uncertain significance (1 of 4 stars; one submission).

Conditions:
PHGDH deficiency. Identifiers: Orphanet 79351, MedGen C1866174, MONDO:0011152, OMIM 601815.

gnomAD v4.1: 1 of 1,614,158 alleles (0.000062%); highest among the groups gnomAD compares: Non-Finnish European, 0.000085%; no homozygotes.

Submission:

Labcorp Genetics (formerly Invitae), Labcorp
Classification: Uncertain significance for PHGDH deficiency. Last evaluated: 2026-01-08. Review status: criteria provided, single submitter. Criteria: Invitae Variant Classification Sherloc (09022015). Collection method: clinical testing. Allele origin: germline.
Comment: This sequence change replaces threonine, which is neutral and polar, with alanine, which is neutral and non-polar, at codon 89 of the PHGDH protein (p.Thr89Ala). This variant is not present in population databases (gnomAD no frequency). This variant has not been reported in the literature in individuals affected with PHGDH-related conditions. Invitae Evidence Modeling of protein sequence and biophysical properties (such as structural, functional, and spatial information, amino acid conservation, physicochemical variation, residue mobility, and thermodynamic stability) has been performed for this missense variant. However, the output from this modeling did not meet the statistical confidence thresholds required to predict the impact of this variant on PHGDH protein function. In summary, the available evidence is currently insufficient to determine the role of this variant in disease. Therefore, it has been classified as a Variant of Uncertain Significance.

NM_006623.4(PHGDH):c.265A>G (p.Thr89Ala)

Gene: PHGDH (phosphoglycerate dehydrogenase; plus strand). Cytogenetic location: 1p12.
Variant type: single nucleotide variant.
Coding change: c.265A>G on transcript NM_006623.4 (MANE Select); coding-DNA position 265, A replaced by G.
Protein change: p.Thr89Ala; replaces threonine 89 with alanine.
Molecular consequence: missense variant.
Genome position (GRCh38, 1-based): chr1:119,721,296, A>G. VCF-style: chr1-119721296-A-G. GRCh37 (hg19) VCF-style: chr1-120263919-A-G.
Other names: short protein forms T89A.
Identifiers: ClinVar variation 4774102 (VCV004774102.1).